The following is an entry in ClinVar:

ClinVar aggregate classification (germline): Uncertain significance (1 of 4 stars; one submission).

gnomAD v4.1: 1 of 1,611,240 alleles (0.000062%); highest among the groups gnomAD compares: Admixed American, 0.0017%; no homozygotes.

Submission:

Women's Health and Genetics/Laboratory Corporation of America, LabCorp
Classification: Uncertain significance. Last evaluated: 2025-06-09. Review status: criteria provided, single submitter. Criteria: LabCorp Variant Classification Summary - May 2015. Collection method: clinical testing. Allele origin: germline.
Comment: Variant summary: TMEM67 c.2907G>C (p.Glu969Asp) results in a conservative amino acid change in the encoded protein sequence. Algorithms developed to predict the effect of missense changes on protein structure and function are either unavailable or do not agree on the potential impact of this missense change. Several computational tools predict a significant impact on normal splicing: Three predict the variant abolishes the canonical 5' splicing donor site. One predict the variant no significant impact on splicing. However, these predictions have yet to be confirmed by functional studies. The variant allele was found at a frequency of 4e-06 in 249460 control chromosomes. The available data on variant occurrences in the general population are insufficient to allow any conclusion about variant significance. To our knowledge, no occurrence of c.2907G>C in individuals affected with Joubert Syndrome And Related Disorders and no experimental evidence demonstrating its impact on protein function have been reported. No submitters have cited clinical-significance assessments for this variant to ClinVar. Based on the evidence outlined above, the variant was classified as uncertain significance.

NM_153704.6(TMEM67):c.2907G>C (p.Glu969Asp)

Gene: TMEM67 (transmembrane protein 67; plus strand). Cytogenetic location: 8q22.1.
Variant type: single nucleotide variant.
Coding change: c.2907G>C on transcript NM_153704.6 (MANE Select); coding-DNA position 2907, G replaced by C.
Protein change: p.Glu969Asp; replaces glutamic acid 969 with aspartic acid.
Molecular consequence: missense variant. On other transcripts: non-coding transcript variant (1).
Genome position (GRCh38, 1-based): chr8:93,815,447, G>C. VCF-style: chr8-93815447-G-C. GRCh37 (hg19) VCF-style: chr8-94827675-G-C.
Other names: c.2664G>C, p.Glu888Asp (NM_001142301.1); short protein forms E888D, E969D.
Identifiers: ClinVar variation 3907286 (VCV003907286.1).